The following is an entry in ClinVar:

NM_001282531.3(ADNP):c.788C>A (p.Pro263His)

Gene: ADNP (activity dependent neuroprotector homeobox; minus strand). Cytogenetic location: 20q13.13.
Variant type: single nucleotide variant.
Coding change: c.788C>A on transcript NM_001282531.3 (MANE Select); coding-DNA position 788, C replaced by A.
Protein change: p.Pro263His; replaces proline 263 with histidine.
Molecular consequence: missense variant.
Genome position (GRCh38, 1-based): chr20:50,893,926, G>T on the plus strand (C>A on the coding strand, the complement: ADNP is on the minus strand). VCF-style: chr20-50893926-G-T. GRCh37 (hg19) VCF-style: chr20-49510463-G-T.
Other names: c.788C>A, p.Pro263His (NM_001282532.2, NM_001347511.2, NM_015339.5 and 1 more transcripts); short protein forms P263H.
Identifiers: ClinVar variation 2635534 (VCV002635534.1), dbSNP rs1981108370, ClinGen allele CA408975846.

ClinVar aggregate classification (germline): Uncertain significance (1 of 4 stars; one submission).

Conditions:
ADNP-related disorder. Also called: ADNP-related condition.

Allele frequency attached by ClinVar (database versions not stated): gnomAD exomes below 0.00001.

Submission:

PreventionGenetics, part of Exact Sciences
Classification: Uncertain significance for ADNP-related condition. Last evaluated: 2022-11-04. Review status: criteria provided, single submitter. Criteria: ACMG Guidelines, 2015. Collection method: clinical testing. Allele origin: germline.
Comment: The ADNP c.788C>A variant is predicted to result in the amino acid substitution p.Pro263His. To our knowledge, this variant has not been reported in the literature or in a large population database, indicating this variant is rare. This variant is interpreted as not determined.